The following is an entry in ClinVar:

NM_001040108.2(MLH3):c.2878A>G (p.Thr960Ala)

Gene: MLH3 (mutL homolog 3; minus strand). Cytogenetic location: 14q24.3.
Variant type: single nucleotide variant.
Coding change: c.2878A>G on transcript NM_001040108.2 (MANE Select); coding-DNA position 2878, A replaced by G.
Protein change: p.Thr960Ala; replaces threonine 960 with alanine.
Molecular consequence: missense variant.
Genome position (GRCh38, 1-based): chr14:75,046,778, T>C on the plus strand (A>G on the coding strand, the complement: MLH3 is on the minus strand). VCF-style: chr14-75046778-T-C. GRCh37 (hg19) VCF-style: chr14-75513481-T-C.
Other names: c.2878A>G, p.Thr960Ala (NM_014381.3); short protein forms T960A.
Identifiers: ClinVar variation 2561673 (VCV002561673.3), dbSNP rs2503258827, ClinGen allele CA390437837.

ClinVar aggregate classification (germline): Uncertain significance (1 of 4 stars; one submission).

Allele frequency attached by ClinVar (database versions not stated): gnomAD exomes below 0.00001.
gnomAD v4.1: 2 of 1,614,202 alleles (0.00012%); highest among the groups gnomAD compares: Non-Finnish European, 0.000085%; no homozygotes.

Submission:

Ambry Genetics
Classification: Uncertain significance. Last evaluated: 2025-10-03. Review status: criteria provided, single submitter. Criteria: Ambry Variant Classification Scheme 2023. Collection method: clinical testing. Allele origin: germline.
Comment: The p.T960A variant (also known as c.2878A>G), located in coding exon 1 of the MLH3 gene, results from an A to G substitution at nucleotide position 2878. The threonine at codon 960 is replaced by alanine, an amino acid with similar properties. This amino acid position is conserved. In addition, this alteration is predicted to be tolerated by in silico analysis. Since supporting evidence is limited at this time, the clinical significance of this alteration remains unclear.